The following is an entry in ClinVar:

NM_000257.4(MYH7):c.646C>G (p.Leu216Val)

Gene: MYH7 (myosin heavy chain 7; minus strand). Cytogenetic location: 14q11.2.
Variant type: single nucleotide variant.
Coding change: c.646C>G on transcript NM_000257.4 (MANE Select); coding-DNA position 646, C replaced by G.
Protein change: p.Leu216Val; replaces leucine 216 with valine.
Molecular consequence: missense variant.
Genome position (GRCh38, 1-based): chr14:23,431,671, G>C on the plus strand (C>G on the coding strand, the complement: MYH7 is on the minus strand). VCF-style: chr14-23431671-G-C. GRCh37 (hg19) VCF-style: chr14-23900880-G-C.
Other names: c.646C>G (LRG_384t1); short protein forms L216V.
Identifiers: ClinVar variation 429960 (VCV000429960.15), dbSNP rs772488436, ClinGen allele CA389052341.
Genomic context (GRCh38, chr14:23,431,671, plus strand): 5'-CGGTCTTGGCATTGCCAAAGGCCTCCAGAGCAGGGTTGGCCTGGATGATCTGGTCCTCCA[G>C]GGTGCCCTGCAGAGGCCAAGAAGGAGGCAGGTGAGAGCTCTTCTCCCTCCCTTTCTGCGG-3'
Protein context (NP_000248.2, residues 206-226): KKDQSPGKGT[Leu216Val]EDQIIQANPA

ClinVar aggregate classification (germline): Conflicting classifications of pathogenicity. Review status: criteria provided, conflicting classifications (1 of 4 stars). 4 submissions from 4 submitters: Likely pathogenic (2); Uncertain significance (2). Last evaluated 2025-04-21.

Conditions:
Hypertrophic cardiomyopathy. Also called: HYPERTROPHIC MYOCARDIOPATHY. Identifiers: Orphanet 217569, MedGen C0007194, MeSH D002312, MONDO:0005045, HP:0001639.
Hypertrophic cardiomyopathy 1 (CMH1). Also called: Familial hypertrophic cardiomyopathy 1; MYH7-Related Familial Hypertrophic Cardiomyopathy. Identifiers: MedGen C3495498, MONDO:0008647, OMIM 192600.
Cardiovascular phenotype. Identifiers: MedGen CN230736.

Submissions (4):

3billion
Classification: Likely pathogenic for Hypertrophic cardiomyopathy 1. Last evaluated: 2025-04-21. Review status: criteria provided, single submitter. Criteria: ACMG Guidelines, 2015. Collection method: clinical testing. Allele origin: germline. Affected: yes.

Molecular Diagnostic Laboratory for Inherited Cardiovascular Disease, Montreal Heart Institute
Classification: Likely pathogenic for Cardiovascular phenotype. Last evaluated: 2023-09-18. Review status: criteria provided, single submitter. Criteria: ACMG Guidelines, 2015. Collection method: clinical testing. Allele origin: germline. Affected: yes.

Labcorp Genetics (formerly Invitae), Labcorp
Classification: Uncertain significance for Hypertrophic cardiomyopathy. Last evaluated: 2021-02-14. Review status: criteria provided, single submitter. Criteria: Invitae Variant Classification Sherloc (09022015). Collection method: clinical testing. Allele origin: germline.
Comment: This variant has been observed in individual(s) referred for testing for hypertrophic cardiomyopathy (PMID: 18258667). ClinVar contains an entry for this variant (Variation ID: 429960). In summary, the available evidence is currently insufficient to determine the role of this variant in disease. Therefore, it has been classified as a Variant of Uncertain Significance. This missense change is located in a region of the MYH7 protein where a significant number of previously reported MYH7 missense mutations are found (PMID: 27532257). These observations suggest that this may be a clinically significant region of the protein. Algorithms developed to predict the effect of missense changes on protein structure and function are either unavailable or do not agree on the potential impact of this missense change (SIFT: "Deleterious"; PolyPhen-2: "Probably Damaging"; Align-GVGD: "Class C0"). This variant is not present in population databases (ExAC no frequency). This sequence change replaces leucine with valine at codon 216 of the MYH7 protein (p.Leu216Val). The leucine residue is highly conserved and there is a small physicochemical difference between leucine and valine.

GeneDx
Classification: Uncertain significance. Last evaluated: 2019-09-12. Review status: criteria provided, single submitter. Criteria: GeneDx Variant Classification Process June 2021. Collection method: clinical testing. Allele origin: germline. Affected: yes.
Comment: Reported in patients with cardiomyopathy referred for genetic testing at GeneDx and in at least one individual from a cohort of patients with HCM (Waldmuller et al., 2008); Not observed in large population cohorts (Lek et al., 2016); In silico analysis, which includes protein predictors and evolutionary conservation, supports that this variant does not alter protein structure/function; This variant is associated with the following publications: (PMID: 18258667)

Literature cited by the submitters: PubMed 18258667 (cited by 3billion and Labcorp Genetics (formerly Invitae), Labcorp); PubMed 27532257 (cited by Labcorp Genetics (formerly Invitae), Labcorp).